The following is an entry in ClinVar:

ClinVar aggregate classification (germline): Pathogenic. Review status: criteria provided, single submitter (1 of 4 stars). 2 submissions from 2 submitters: Pathogenic (1). 1 of the submissions does not count toward it. Last evaluated 2021-07-31.

Conditions:
Charcot-Marie-Tooth disease. Also called: Charcot-Marie-Tooth Hereditary Neuropathy; Charcot-Marie-Tooth Neuropathy. Identifiers: Orphanet 166, MedGen C0007959, MONDO:0015626.
Charcot-Marie-Tooth disease, type I (CMT1). Also called: Charcot-Marie-Tooth disease type 1; Charcot-Marie-Tooth, Type 1. Identifiers: Orphanet 65753, MedGen C0751036, MONDO:0019011.

Submissions (2):

Labcorp Genetics (formerly Invitae), Labcorp
Classification: Pathogenic for Charcot-Marie-Tooth disease, type I. Last evaluated: 2021-07-31. Review status: criteria provided, single submitter. Criteria: Invitae Variant Classification Sherloc (09022015). Collection method: clinical testing. Allele origin: germline.
Comment: Algorithms developed to predict the effect of missense changes on protein structure and function are either unavailable or do not agree on the potential impact of this missense change (SIFT: "Deleterious"; PolyPhen-2: "Benign"; Align-GVGD: "Class C25"). This sequence change replaces proline with serine at codon 70 of the MPZ protein (p.Pro70Ser). The proline residue is highly conserved and there is a moderate physicochemical difference between proline and serine. This variant is not present in population databases (ExAC no frequency). This missense change has been observed in individuals with Charcot-Marie-Tooth disease (PMID: 17940173). It has also been observed to segregate with disease in related individuals. ClinVar contains an entry for this variant (Variation ID: 637776). Experimental studies have shown that this missense change affects MPZ protein function (PMID: 29687021). For these reasons, this variant has been classified as Pathogenic.

Inherited Neuropathy Consortium
Classification: Uncertain significance for Charcot-Marie-Tooth disease. Review status: no assertion criteria provided. Collection method: literature only. Allele origin: germline. Affected: yes. Not counted in ClinVar's aggregate classification.

Literature cited by the submitters: PubMed 17940173 (cited by Labcorp Genetics (formerly Invitae), Labcorp and Inherited Neuropathy Consortium); PubMed 29687021 (cited by Labcorp Genetics (formerly Invitae), Labcorp).

NM_000530.8(MPZ):c.208C>T (p.Pro70Ser)

Gene: MPZ (myelin protein zero; minus strand). Cytogenetic location: 1q23.3.
Variant type: single nucleotide variant.
Coding change: c.208C>T on transcript NM_000530.8 (MANE Select); coding-DNA position 208, C replaced by T.
Protein change: p.Pro70Ser; replaces proline 70 with serine.
Molecular consequence: missense variant.
Genome position (GRCh38, 1-based): chr1:161,307,284, G>A on the plus strand (C>T on the coding strand, the complement: MPZ is on the minus strand). VCF-style: chr1-161307284-G-A. GRCh37 (hg19) VCF-style: chr1-161277074-G-A.
Other names: c.208C>T (LRG_256t1); c.208C>T, p.Pro70Ser (NM_001315491.2); short protein forms P70S.
Identifiers: ClinVar variation 637776 (VCV000637776.6), dbSNP rs1571819890, ClinGen allele CA343350439.
Genomic context (GRCh38, chr1:161,307,284, plus strand): 5'-GTTATCCAACCCCAGGATTCCCCCAGGCACTCACCGAAATGGCATCTCTGCCCCCTTCGG[G>A]CTGGTAGCGCCAGGTGAAGGAGATGTCATCTGAGACCCACTCACTGGACCAGAAGGAGCA-3'
Protein context (NP_000521.2, residues 60-80): DDISFTWRYQ[Pro70Ser]EGGRDAISIF